The following is an entry in ClinVar:

ClinVar aggregate classification (germline): Likely benign (1 of 4 stars; one submission).

Conditions:
GLIS3-related disorder. Also called: GLIS3-related condition.

gnomAD v4.1: 51 of 1,614,120 alleles (0.0032%); highest among the groups gnomAD compares: Non-Finnish European, 0.0039%; no homozygotes.

Submission:

PreventionGenetics, part of Exact Sciences
Classification: Likely benign for GLIS3-related condition. Last evaluated: 2026-08-03. Review status: criteria provided, single submitter. Criteria: ACMG Guidelines, 2015. Collection method: clinical testing. Allele origin: germline.
Comment: This variant is classified as likely benign based on ACMG/AMP sequence variant interpretation guidelines (Richards et al. 2015 PMID: 25741868, with internal and published modifications).

NM_001042413.2(GLIS3):c.126C>G (p.Pro42=)

Gene: GLIS3 (GLIS family zinc finger 3; minus strand). Cytogenetic location: 9p24.2.
Variant type: single nucleotide variant.
Coding change: c.126C>G on transcript NM_001042413.2 (MANE Select); coding-DNA position 126, C replaced by G.
Protein change: p.Pro42=; no amino-acid change (proline 42 retained).
Molecular consequence: synonymous variant. On other transcripts: 5 prime UTR variant (2), intron variant (3).
Genome position (GRCh38, 1-based): chr9:4,286,300, G>C on the plus strand (C>G on the coding strand, the complement: GLIS3 is on the minus strand). VCF-style: chr9-4286300-G-C. GRCh37 (hg19) VCF-style: chr9-4286300-G-C.
Other names: c.126C>G, p.Pro42= (NM_001438906.1, NM_001438907.1, NM_001438908.1 and 2 more transcripts); c.-333C>G (NM_001438911.1, NM_001438916.1); c.-71+13121C>G (NM_001438912.1); c.-78+13121C>G (NM_001438909.1, NM_001438915.1).
Identifiers: ClinVar variation 4988008 (VCV004988008.1).